The following is an entry in ClinVar:

NM_012335.4(MYO1F):c.201C>T (p.Thr67=)

Gene: MYO1F (myosin IF; minus strand). Cytogenetic location: 19p13.2.
Variant type: single nucleotide variant.
Coding change: c.201C>T on transcript NM_012335.4 (MANE Select); coding-DNA position 201, C replaced by T.
Protein change: p.Thr67=; no amino-acid change (threonine 67 retained).
Molecular consequence: synonymous variant.
Genome position (GRCh38, 1-based): chr19:8,554,684, G>A on the plus strand (C>T on the coding strand, the complement: MYO1F is on the minus strand). VCF-style: chr19-8554684-G-A. GRCh37 (hg19) VCF-style: chr19-8619568-G-A.
Other names: c.201C>T, p.Thr67= (NM_001348355.2).
Identifiers: ClinVar variation 3053601 (VCV003053601.2), dbSNP rs367916306, ClinGen allele CA9159781.

ClinVar aggregate classification (germline): Likely benign (0 of 4 stars; one submission).

Conditions:
MYO1F-related disorder. Also called: MYO1F-related condition.

Allele frequency attached by ClinVar (database versions not stated): gnomAD 0.00002; gnomAD exomes 0.00007; ESP Exome Variant Server 0.00008; ExAC 0.00012.
gnomAD v4.1: 109 of 1,613,802 alleles (0.0068%); highest among the groups gnomAD compares: East Asian, 0.011%; no homozygotes.

Submission:

PreventionGenetics, part of Exact Sciences
Classification: Likely benign for MYO1F-related condition. Last evaluated: 2019-08-20. Review status: no assertion criteria provided. Collection method: clinical testing. Allele origin: germline.
Comment: This variant is classified as likely benign based on ACMG/AMP sequence variant interpretation guidelines (Richards et al. 2015 PMID: 25741868, with internal and published modifications).